The following is an entry in ClinVar:

NM_177438.3(DICER1):c.3175T>A (p.Tyr1059Asn)

Gene: DICER1 (dicer 1, ribonuclease III; minus strand). Cytogenetic location: 14q32.13.
Variant type: single nucleotide variant.
Coding change: c.3175T>A on transcript NM_177438.3 (MANE Select); coding-DNA position 3175, T replaced by A.
Protein change: p.Tyr1059Asn; replaces tyrosine 1059 with asparagine.
Molecular consequence: missense variant. On other transcripts: non-coding transcript variant (6).
Genome position (GRCh38, 1-based): chr14:95,105,165, A>T on the plus strand (T>A on the coding strand, the complement: DICER1 is on the minus strand). VCF-style: chr14-95105165-A-T. GRCh37 (hg19) VCF-style: chr14-95571502-A-T.
Other names: c.3175T>A, p.Tyr1059Asn (NM_001195573.1, NM_001271282.3, NM_001291628.2 and 12 more transcripts); c.2893T>A, p.Tyr965Asn (NM_001395686.1); c.2770T>A, p.Tyr924Asn (NM_001395687.1, NM_001395688.1, NM_001395689.1 and 2 more transcripts); c.2608T>A, p.Tyr870Asn (NM_001395691.1); c.1492T>A, p.Tyr498Asn (NM_001395697.1); short protein forms Y1059N, Y498N, Y870N, Y924N, Y965N.
Identifiers: ClinVar variation 3271997 (VCV003271997.1).

ClinVar aggregate classification (germline): Uncertain significance (1 of 4 stars; one submission).

Conditions:
Hereditary cancer-predisposing syndrome. Also called: Tumor predisposition; Hereditary Cancer Syndrome; Hereditary neoplastic syndrome; Neoplastic Syndromes, Hereditary. Identifiers: Orphanet 140162, MedGen C0027672, MeSH D009386, MONDO:0015356.

Submission:

Ambry Genetics
Classification: Uncertain significance for Hereditary cancer-predisposing syndrome. Last evaluated: 2024-04-05. Review status: criteria provided, single submitter. Criteria: Ambry Variant Classification Scheme 2023. Collection method: clinical testing. Allele origin: germline.
Comment: The p.Y1059N variant (also known as c.3175T>A), located in coding exon 19 of the DICER1 gene, results from a T to A substitution at nucleotide position 3175. The tyrosine at codon 1059 is replaced by asparagine, an amino acid with dissimilar properties. This amino acid position is conserved. In addition, the in silico prediction for this alteration is inconclusive. Based on the available evidence, the clinical significance of this variant remains unclear.